The following is an entry in ClinVar:

ClinVar aggregate classification (germline): Uncertain significance. Review status: criteria provided, multiple submitters, no conflicts (2 of 4 stars). 3 submissions from 3 submitters: Uncertain significance (3). Last evaluated 2026-02-12.

Conditions:
Developmental and epileptic encephalopathy, 37 (DEE37). Also called: Epileptic encephalopathy, early infantile, 37. Identifiers: MedGen C4310770, MONDO:0014859, OMIM 616981.
Inborn genetic diseases. Identifiers: MedGen C0950123, MeSH D030342.

Allele frequency attached by ClinVar (database versions not stated): gnomAD exomes 0.00003 and 0.00010; TOPMed 0.00035; gnomAD 0.00044 and 0.00040; ESP Exome Variant Server 0.00062; ExAC 0.00012.
gnomAD v4.1: 100 of 1,613,288 alleles (0.0062%); highest among the groups gnomAD compares: African/African-American, 0.11%; no homozygotes.

Submissions (3):

GeneDx
Classification: Uncertain significance. Last evaluated: 2026-02-12. Review status: criteria provided, single submitter. Criteria: GeneDx Variant Classification Process June 2021. Collection method: clinical testing. Allele origin: germline. Affected: yes.
Comment: In silico analysis suggests that this missense variant does not alter protein structure/function; Has not been previously published as pathogenic or benign to our knowledge

Ambry Genetics
Classification: Uncertain significance for Inborn genetic diseases. Last evaluated: 2024-04-19. Review status: criteria provided, single submitter. Criteria: Ambry Variant Classification Scheme 2023. Collection method: clinical testing. Allele origin: germline.

Labcorp Genetics (formerly Invitae), Labcorp
Classification: Uncertain significance for Developmental and epileptic encephalopathy, 37. Last evaluated: 2022-10-24. Review status: criteria provided, single submitter. Criteria: Invitae Variant Classification Sherloc (09022015). Collection method: clinical testing. Allele origin: germline.
Comment: This sequence change replaces aspartic acid, which is acidic and polar, with asparagine, which is neutral and polar, at codon 150 of the FRRS1L protein (p.Asp150Asn). This variant is present in population databases (rs141125474, gnomAD 0.1%). This missense change has been observed in individual(s) with clinical features of FRRS1L-related conditions (Invitae). ClinVar contains an entry for this variant (Variation ID: 654560). Algorithms developed to predict the effect of missense changes on protein structure and function are either unavailable or do not agree on the potential impact of this missense change (SIFT: "Deleterious"; PolyPhen-2: "Benign"; Align-GVGD: "Class C15"). Algorithms developed to predict the effect of sequence changes on RNA splicing suggest that this variant may disrupt the consensus splice site. In summary, the available evidence is currently insufficient to determine the role of this variant in disease. Therefore, it has been classified as a Variant of Uncertain Significance.

NM_014334.4(FRRS1L):c.295G>A (p.Asp99Asn)

Gene: FRRS1L (ferric chelate reductase 1 like; minus strand). Cytogenetic location: 9q31.3.
Variant type: single nucleotide variant.
Coding change: c.295G>A on transcript NM_014334.4 (MANE Select); coding-DNA position 295, G replaced by A.
Protein change: p.Asp99Asn; replaces aspartic acid 99 with asparagine.
Molecular consequence: missense variant.
Genome position (GRCh38, 1-based): chr9:109,149,664, C>T on the plus strand (G>A on the coding strand, the complement: FRRS1L is on the minus strand). VCF-style: chr9-109149664-C-T. GRCh37 (hg19) VCF-style: chr9-111911944-C-T.
Other names: short protein forms D99N.
Identifiers: ClinVar variation 654560 (VCV000654560.14), dbSNP rs141125474, ClinGen allele CA5177468.